The following is an entry in ClinVar:

NM_000138.5(FBN1):c.8227-8C>G

Gene: FBN1 (fibrillin 1; minus strand). Cytogenetic location: 15q21.1.
Variant type: single nucleotide variant.
Coding change: c.8227-8C>G on transcript NM_000138.5 (MANE Select); 8 bases into the intron before coding-DNA position 8227, C replaced by G.
Molecular consequence: intron variant.
Genome position (GRCh38, 1-based): chr15:48,411,387, G>C on the plus strand (C>G on the coding strand, the complement: FBN1 is on the minus strand). VCF-style: chr15-48411387-G-C. GRCh37 (hg19) VCF-style: chr15-48703584-G-C.
Identifiers: ClinVar variation 1698482 (VCV001698482.1), dbSNP rs2141210191, ClinGen allele CA2580089593.

ClinVar aggregate classification (germline): Uncertain significance (1 of 4 stars; one submission).

Submission:

Women's Health and Genetics/Laboratory Corporation of America, LabCorp
Classification: Uncertain significance. Last evaluated: 2022-06-06. Review status: criteria provided, single submitter. Criteria: LabCorp Variant Classification Summary - May 2015. Collection method: clinical testing. Allele origin: germline.
Comment: Variant summary: FBN1 c.8227-8C>G alters a conserved nucleotide located close to a canonical splice site and therefore could affect mRNA splicing, leading to a significantly altered protein sequence. 4/4 computational tools predict no significant impact on normal splicing. However, these predictions have yet to be confirmed by functional studies. The variant was absent in 250442 control chromosomes (gnomAD). The available data on variant occurrences in the general population are insufficient to allow any conclusion about variant significance. To our knowledge, no occurrence of c.8227-8C>G in individuals affected with Marfan Syndrome and no experimental evidence demonstrating its impact on protein function have been reported. No clinical diagnostic laboratories have submitted clinical-significance assessments for this variant to ClinVar after 2014. Based on the evidence outlined above, the variant was classified as uncertain significance.